The following is an entry in ClinVar:

NM_172362.3(KCNH1):c.2686G>A (p.Glu896Lys)

Gene: KCNH1 (potassium voltage-gated channel subfamily H member 1; minus strand). Cytogenetic location: 1q32.2.
Variant type: single nucleotide variant.
Coding change: c.2686G>A on transcript NM_172362.3 (MANE Select); coding-DNA position 2686, G replaced by A.
Protein change: p.Glu896Lys; replaces glutamic acid 896 with lysine.
Molecular consequence: missense variant.
Genome position (GRCh38, 1-based): chr1:210,683,565, C>T on the plus strand (G>A on the coding strand, the complement: KCNH1 is on the minus strand). VCF-style: chr1-210683565-C-T. GRCh37 (hg19) VCF-style: chr1-210856907-C-T.
Other names: c.2605G>A, p.Glu869Lys (NM_002238.4); short protein forms E869K, E896K.
Identifiers: ClinVar variation 3633726 (VCV003633726.2).

ClinVar aggregate classification (germline): Uncertain significance (1 of 4 stars; one submission).

Submission:

Labcorp Genetics (formerly Invitae), Labcorp
Classification: Uncertain significance. Last evaluated: 2024-05-16. Review status: criteria provided, single submitter. Criteria: Invitae Variant Classification Sherloc (09022015). Collection method: clinical testing. Allele origin: germline.
Comment: This sequence change replaces glutamic acid, which is acidic and polar, with lysine, which is basic and polar, at codon 896 of the KCNH1 protein (p.Glu896Lys). This variant is not present in population databases (gnomAD no frequency). This variant has not been reported in the literature in individuals affected with KCNH1-related conditions. Advanced modeling of protein sequence and biophysical properties (such as structural, functional, and spatial information, amino acid conservation, physicochemical variation, residue mobility, and thermodynamic stability) performed at Invitae indicates that this missense variant is not expected to disrupt KCNH1 protein function with a negative predictive value of 95%. In summary, the available evidence is currently insufficient to determine the role of this variant in disease. Therefore, it has been classified as a Variant of Uncertain Significance.